The following is an entry in ClinVar:

ClinVar aggregate classification (germline): Benign (1 of 4 stars; one submission).

gnomAD v4.1: 2,516 of 1,599,052 alleles (0.16%); highest among the groups gnomAD compares: African/African-American, 3%; 42 homozygotes.

Submission:

Women's Health and Genetics/Laboratory Corporation of America, LabCorp
Classification: Benign. Last evaluated: 2026-01-27. Review status: criteria provided, single submitter. Criteria: LabCorp Variant Classification Summary - May 2015. Collection method: clinical testing. Allele origin: germline.
Comment: Variant summary: C1QC c.*17C>T is located in the untranslated mRNA region downstream of the termination codon. The variant allele was found at a frequency of 0.0022 in 238858 control chromosomes, predominantly at a frequency of 0.03 within the African or African-American subpopulation in the gnomAD database, including 8 homozygotes. The observed variant frequency within African or African-American control individuals in the gnomAD database exceeds the estimated maximal expected allele frequency for disease-causing variants in C1QC. To our knowledge, no occurrence of c.*17C>T in individuals affected with C1QC-related conditions and no experimental evidence demonstrating its impact on protein function have been reported. No submitters have cited clinical-significance assessments for this variant to ClinVar. Based on the evidence outlined above, the variant was classified as benign.

NM_172369.5(C1QC):c.*17C>T

Gene: C1QC (complement C1q C chain; plus strand). Cytogenetic location: 1p36.12.
Variant type: single nucleotide variant.
Coding change: c.*17C>T on transcript NM_172369.5 (MANE Select); 17 bases downstream of the stop codon, C replaced by T.
Molecular consequence: 3 prime UTR variant.
Genome position (GRCh38, 1-based): chr1:22,647,800, C>T. VCF-style: chr1-22647800-C-T. GRCh37 (hg19) VCF-style: chr1-22974293-C-T.
Other names: c.*17C>T (NM_001114101.3, NM_001347619.2, NM_001347620.2).
Identifiers: ClinVar variation 4689312 (VCV004689312.1).
Genomic context (GRCh38, chr1:22,647,800, plus strand): 5'-GCTCTGACAGCGTCTTCTCCGGCTTCCTGCTCTTCCCCGACTAGGGCGGGCAGATGCGCT[C>T]GAGCCCCACGGGCCTTCCACCTCCCTCAGCTTCCTGCATGGACCCACCTTACTGGCCAGT-3'